The following is an entry in ClinVar:

NM_007294.4(BRCA1):c.1265A>G (p.Tyr422Cys)

Gene: BRCA1 (BRCA1 DNA repair associated; minus strand). Cytogenetic location: 17q21.31.
Variant type: single nucleotide variant.
Coding change: c.1265A>G on transcript NM_007294.4 (MANE Select); coding-DNA position 1265, A replaced by G.
Protein change: p.Tyr422Cys; replaces tyrosine 422 with cysteine.
Molecular consequence: missense variant. On other transcripts: intron variant (137).
Genome position (GRCh38, 1-based): chr17:43,094,266, T>C on the plus strand (A>G on the coding strand, the complement: BRCA1 is on the minus strand). VCF-style: chr17-43094266-T-C. GRCh37 (hg19) VCF-style: chr17-41246283-T-C.
Other names: c.1061A>G, p.Tyr354Cys (NM_001407874.1, NM_001407875.1); c.1055A>G, p.Tyr352Cys (NM_001407879.1, NM_001407881.1, NM_001407882.1 and 13 more transcripts); c.1052A>G, p.Tyr351Cys (NM_001407894.1, NM_001407895.1, NM_001407915.1 and 9 more transcripts); c.1142A>G, p.Tyr381Cys (NM_001407919.1, NM_001407863.1, NM_001407937.1 and 19 more transcripts); c.1124A>G, p.Tyr375Cys (NM_001407694.1, NM_001407695.1, NM_001407696.1 and 29 more transcripts); c.1121A>G, p.Tyr374Cys (NM_001407740.1, NM_001407741.1, NM_001407742.1 and 20 more transcripts); c.1265A>G, p.Tyr422Cys (NM_001407854.1, NM_001407858.1, NM_001407859.1 and 30 more transcripts); c.1262A>G, p.Tyr421Cys (NM_001407860.1, NM_001407861.1, NM_001407587.1 and 22 more transcripts); and 40 more; short protein forms Y375C, Y422C, Y294C, Y395C, Y333C, Y334C, Y354C, Y381C.
Identifiers: ClinVar variation 952650 (VCV000952650.14), dbSNP rs1567800230, ClinGen allele CA10599525.
Genomic context (GRCh38, chr17:43,094,266, plus strand): 5'-CATATTAAAGCCTCATGAGGATCACTGGCCAGTAAGTCTATTTTCTCTGAAGAACCAGAA[T>C]ATTCATCTACCTCATTTAGAACGTCCAATACATCAGCTACTTTGGCATTTGATTCAGACT-3'
Protein context (NP_009225.1, residues 412-432): VLDVLNEVDE[Tyr422Cys]SGSSEKIDLL

ClinVar aggregate classification (germline): Conflicting classifications of pathogenicity. Review status: criteria provided, conflicting classifications (1 of 4 stars). 3 submissions from 3 submitters: Uncertain significance (2); Likely benign (1). Last evaluated 2025-11-04.

Conditions:
Hereditary breast ovarian cancer syndrome. Also called: Hereditary breast and ovarian cancer; Hereditary breast and/or ovarian cancer syndrome; Hereditary breast and ovarian cancer syndrome; Hereditary breast and ovarian cancer syndrome (HBOC); BRCA1- and BRCA2-Associated Hereditary Breast and Ovarian Cancer; Breast and ovarian cancer. Identifiers: Orphanet 145, MedGen C0677776, MeSH D061325, MONDO:0003582. Disease mechanism: loss of function.
Hereditary cancer-predisposing syndrome. Also called: Tumor predisposition; Hereditary neoplastic syndrome; Neoplastic Syndromes, Hereditary; Hereditary Cancer Syndrome. Identifiers: Orphanet 140162, MedGen C0027672, MeSH D009386, MONDO:0015356.

Submissions (3):

Women's Health and Genetics/Laboratory Corporation of America, LabCorp
Classification: Uncertain significance. Last evaluated: 2025-11-04. Review status: criteria provided, single submitter. Criteria: LabCorp Variant Classification Summary - May 2015. Collection method: clinical testing. Allele origin: germline.
Comment: Variant summary: BRCA1 c.1265A>G (p.Tyr422Cys) results in a non-conservative amino acid change in the encoded protein sequence. Algorithms developed to predict the effect of missense changes on protein structure and function are either unavailable or do not agree on the potential impact of this missense change. The variant was absent in 250864 control chromosomes. The available data on variant occurrences in the general population are insufficient to allow any conclusion about variant significance. To our knowledge, no occurrence of c.1265A>G in individuals affected with BRCA1-related conditions and no experimental evidence demonstrating its impact on protein function have been reported. ClinVar contains an entry for this variant (Variation ID: 952650). Based on the evidence outlined above, the variant was classified as uncertain significance.

Labcorp Genetics (formerly Invitae), Labcorp
Classification: Uncertain significance for Hereditary breast ovarian cancer syndrome. Last evaluated: 2025-02-11. Review status: criteria provided, single submitter. Criteria: Invitae Variant Classification Sherloc (09022015). Collection method: clinical testing. Allele origin: germline.
Comment: This sequence change replaces tyrosine, which is neutral and polar, with cysteine, which is neutral and slightly polar, at codon 422 of the BRCA1 protein (p.Tyr422Cys). This variant is not present in population databases (gnomAD no frequency). This variant has not been reported in the literature in individuals affected with BRCA1-related conditions. ClinVar contains an entry for this variant (Variation ID: 952650). Invitae Evidence Modeling of protein sequence and biophysical properties (such as structural, functional, and spatial information, amino acid conservation, physicochemical variation, residue mobility, and thermodynamic stability) indicates that this missense variant is not expected to disrupt BRCA1 protein function with a negative predictive value of 80%. In summary, the available evidence is currently insufficient to determine the role of this variant in disease. Therefore, it has been classified as a Variant of Uncertain Significance.

University of Washington Department of Laboratory Medicine, University of Washington
Classification: Likely benign for Hereditary cancer-predisposing syndrome. Last evaluated: 2023-03-23. Review status: criteria provided, single submitter. Criteria: Dines et al. (Genet Med. 2020). Collection method: curation. Allele origin: germline.
Comment: Missense variant in a coldspot region where missense variants are very unlikely to be pathogenic (PMID:31911673).

BRCA1 coldspot (exon 11 using historical exon numbering). Reclassification based on statistical prior probability